The following is an entry in ClinVar:

NM_000226.4(KRT9):c.909del (p.Asn303fs)

Gene: KRT9 (keratin 9; minus strand). Cytogenetic location: 17q21.2.
Variant type: Deletion.
Coding change: c.909del on transcript NM_000226.4 (MANE Select); coding-DNA position 909, one base deleted (C; older notation c.909delC).
Protein change: p.Asn303fs; shifts the reading frame from asparagine 303.
Molecular consequence: frameshift variant.
Genome position (GRCh38, 1-based): chr17:41,569,561, G deleted on the plus strand (C on the coding strand, the reverse complement: KRT9 is on the minus strand). VCF-style (leftmost placement, unchanged base first): chr17-41569560-TG-T. GRCh37 (hg19) VCF-style: chr17-39725812-TG-T.
Other names: short protein forms N303fs.
Identifiers: ClinVar variation 5016886 (VCV005016886.1).

ClinVar aggregate classification (germline): Uncertain significance (1 of 4 stars; one submission).

Submission:

GeneDx
Classification: Uncertain significance. Last evaluated: 2026-04-05. Review status: criteria provided, single submitter. Criteria: GeneDx Variant Classification Process June 2021. Collection method: clinical testing. Allele origin: germline.
Comment: Frameshift variant predicted to result in protein truncation or nonsense mediated decay in a gene for which loss of function is not a known mechanism of disease; Has not been previously published as pathogenic or benign to our knowledge; Not observed at significant frequency in large population cohorts (gnomAD)